The following is an entry in ClinVar:

ClinVar aggregate classification (germline): Uncertain significance. Review status: criteria provided, multiple submitters, no conflicts (2 of 4 stars). 2 submissions from 2 submitters: Uncertain significance (2). Last evaluated 2025-05-19.

Conditions:
Hereditary cancer-predisposing syndrome. Also called: Tumor predisposition; Neoplastic Syndromes, Hereditary; Hereditary Cancer Syndrome; Hereditary neoplastic syndrome. Identifiers: Orphanet 140162, MedGen C0027672, MeSH D009386, MONDO:0015356.
Medulloblastoma (MDB). Also called: Medulloblastoma, somatic; MEDULLOBLASTOMA PREDISPOSITION SYNDROME. Identifiers: Orphanet 616, MedGen C0025149, MeSH D008527, MONDO:0007959, OMIM 155255, HP:0002885.
Gorlin syndrome. Also called: Nevoid Basal Cell Carcinoma Syndrome; Basal cell nevus syndrome. Identifiers: Orphanet 377, MedGen C0004779, MONDO:0007187.

Submissions (2):

Labcorp Genetics (formerly Invitae), Labcorp
Classification: Uncertain significance for Gorlin syndrome; Medulloblastoma. Last evaluated: 2025-05-19. Review status: criteria provided, single submitter. Criteria: Invitae Variant Classification Sherloc (09022015). Collection method: clinical testing. Allele origin: germline.
Comment: This sequence change replaces isoleucine, which is neutral and non-polar, with valine, which is neutral and non-polar, at codon 406 of the SUFU protein (p.Ile406Val). This variant is not present in population databases (gnomAD no frequency). This variant has not been reported in the literature in individuals affected with SUFU-related conditions. ClinVar contains an entry for this variant (Variation ID: 406399). Invitae Evidence Modeling of protein sequence and biophysical properties (such as structural, functional, and spatial information, amino acid conservation, physicochemical variation, residue mobility, and thermodynamic stability) indicates that this missense variant is not expected to disrupt SUFU protein function with a negative predictive value of 80%. In summary, the available evidence is currently insufficient to determine the role of this variant in disease. Therefore, it has been classified as a Variant of Uncertain Significance.

Ambry Genetics
Classification: Uncertain significance for Hereditary cancer-predisposing syndrome. Last evaluated: 2023-08-29. Review status: criteria provided, single submitter. Criteria: Ambry Variant Classification Scheme 2023. Collection method: clinical testing. Allele origin: germline.
Comment: The p.I406V variant (also known as c.1216A>G), located in coding exon 10 of the SUFU gene, results from an A to G substitution at nucleotide position 1216. The isoleucine at codon 406 is replaced by valine, an amino acid with highly similar properties. This amino acid position is conserved. In addition, this alteration is predicted to be tolerated by in silico analysis. Since supporting evidence is limited at this time, the clinical significance of this alteration remains unclear.

NM_016169.4(SUFU):c.1216A>G (p.Ile406Val)

Gene: SUFU (SUFU negative regulator of hedgehog signaling; plus strand). Cytogenetic location: 10q24.32.
Variant type: single nucleotide variant.
Coding change: c.1216A>G on transcript NM_016169.4 (MANE Select); coding-DNA position 1216, A replaced by G.
Protein change: p.Ile406Val; replaces isoleucine 406 with valine.
Molecular consequence: missense variant.
Genome position (GRCh38, 1-based): chr10:102,617,348, A>G. VCF-style: chr10-102617348-A-G. GRCh37 (hg19) VCF-style: chr10-104377105-A-G.
Other names: c.1216A>G, p.Ile406Val (NM_001178133.2); short protein forms I406V.
Identifiers: ClinVar variation 406399 (VCV000406399.15), dbSNP rs1060501116, ClinGen allele CA16612831.
Genomic context (GRCh38, chr10:102,617,348, plus strand): 5'-AGGGGCAGGCTCCTGCATGGACGGCACTTTACATATAAAAGTATCACAGGTGACATGGCC[A>G]TCACGTTTGTCTCCACGGGAGTGGAAGGCGCCTTTGCCACTGAGGAGCATCCTTACGCGG-3'
Protein context (NP_057253.2, residues 396-416): TYKSITGDMA[Ile406Val]TFVSTGVEGA